The following is an entry in ClinVar:

NM_001197104.2(KMT2A):c.5961+37del

Gene: KMT2A (lysine methyltransferase 2A; plus strand). Cytogenetic location: 11q23.3.
Variant type: Deletion.
Coding change: c.5961+37del on transcript NM_001197104.2 (MANE Select); 37 bases into the intron after coding-DNA position 5961, one base deleted (A; older notation c.5961+37delA).
Molecular consequence: intron variant.
Genome position (GRCh38, 1-based): chr11:118,498,565, A deleted; the last of 15 consecutive A bases (chr11:118,498,551-118,498,565); deleting any one gives the same sequence. VCF-style (leftmost placement, unchanged base first): chr11-118498550-TA-T. GRCh37 (hg19) VCF-style: chr11-118369265-TA-T.
Other names: c.5952+37del (NM_005933.4).
Identifiers: ClinVar variation 1187987 (VCV001187987.4), dbSNP rs57102960, ClinGen allele CA6304138.

ClinVar aggregate classification (germline): Benign/Likely benign. Review status: criteria provided, multiple submitters, no conflicts (2 of 4 stars). 2 submissions from 2 submitters: Benign (1); Likely benign (1). Last evaluated 2024-01-24.

Submissions (2):

Unidad de Genómica Garrahan, Hospital de Pediatría Garrahan
Classification: Benign. Last evaluated: 2024-01-24. Review status: criteria provided, single submitter. Criteria: ACMG Guidelines, 2015. Collection method: clinical testing. Allele origin: germline. Affected: no. Observed: 53 variant alleles.
Comment: This variant is classified as Benign based on local population frequency. This variant was detected in 56% of patients studied by a panel of primary immunodeficiencies. Number of patients: 53. Only high quality variants are reported.

GeneDx
Classification: Likely benign. Last evaluated: 2020-09-08. Review status: criteria provided, single submitter. Criteria: GeneDx Variant Classification Process June 2021. Collection method: clinical testing. Allele origin: germline. Affected: yes.